The following is an entry in ClinVar:

NM_007262.5(PARK7):c.-24+66C>G

Gene: PARK7 (Parkinsonism associated deglycase; plus strand). Cytogenetic location: 1p36.23.
Variant type: single nucleotide variant.
Coding change: c.-24+66C>G on transcript NM_007262.5 (MANE Select); 66 bases into the intron after 24 bases upstream of the start codon, C replaced by G.
Molecular consequence: intron variant.
Genome position (GRCh38, 1-based): chr1:7,961,859, C>G. VCF-style: chr1-7961859-C-G. GRCh37 (hg19) VCF-style: chr1-8021919-C-G.
Other names: c.-24+124C>G (NM_001123377.2).
Identifiers: ClinVar variation 3350429 (VCV003350429.1).

ClinVar aggregate classification (germline): Uncertain significance (0 of 4 stars; one submission).

Conditions:
PARK7-related disorder. Also called: PARK7-related condition.

Submission:

PreventionGenetics, part of Exact Sciences
Classification: Uncertain significance for PARK7-related condition. Last evaluated: 2024-08-13. Review status: no assertion criteria provided. Collection method: clinical testing. Allele origin: germline.
Comment: The PARK7 c.-24+66C>G variant is located in the 5' untranslated region. This variant, also referred to as DJ-1 g.159C>G in the literature, has been reported in an individual with early onset Parkinson disease and was shown to segregate with disease in the family (Tarantino et al. 2009. PubMed ID: 18722801). This variant is reported in 0.0065% of alleles in individuals of European (non-Finnish) descent in gnomAD. At this time, the clinical significance of this variant is uncertain due to the absence of conclusive functional and genetic evidence.